The following is an entry in ClinVar:

NM_002085.5(GPX4):c.270C>T (p.Tyr90=)

Gene: GPX4 (glutathione peroxidase 4; plus strand). Cytogenetic location: 19p13.3.
Variant type: single nucleotide variant.
Coding change: c.270C>T on transcript NM_002085.5 (MANE Select); coding-DNA position 270, C replaced by T.
Protein change: p.Tyr90=; no amino-acid change (tyrosine 90 retained).
Molecular consequence: synonymous variant.
Genome position (GRCh38, 1-based): chr19:1,105,456, C>T. VCF-style: chr19-1105456-C-T. GRCh37 (hg19) VCF-style: chr19-1105455-C-T.
Other names: c.270C>T, p.Tyr90= (NM_001039847.3); c.381C>T, p.Tyr127= (NM_001039848.4); c.189C>T, p.Tyr63= (NM_001367832.1).
Identifiers: ClinVar variation 5040885 (VCV005040885.1).

ClinVar aggregate classification (germline): Likely benign (1 of 4 stars; one submission).

Submission:

CeGaT Center for Human Genetics Tuebingen
Classification: Likely benign. Last evaluated: 2026-09-01. Review status: criteria provided, single submitter. Criteria: CeGaT Center For Human Genetics Tuebingen Variant Classification Criteria Version 2. Collection method: clinical testing. Allele origin: germline. Affected: yes. Observed: 1 variant allele.
Comment: GPX4: BP4, BP7